The following is an entry in ClinVar:

ClinVar aggregate classification (germline): Likely benign. Review status: criteria provided, multiple submitters, no conflicts (2 of 4 stars). 2 submissions from 2 submitters: Likely benign (2). Last evaluated 2026-07-16.

Conditions:
VCAN-related disorder. Also called: VCAN-related condition.

gnomAD v4.1: 23 of 1,614,000 alleles (0.0014%); highest among the groups gnomAD compares: Non-Finnish European, 0.0017%; no homozygotes.

Submissions (2):

PreventionGenetics, part of Exact Sciences
Classification: Likely benign for VCAN-related condition. Last evaluated: 2026-07-16. Review status: criteria provided, single submitter. Criteria: ACMG Guidelines, 2015. Collection method: clinical testing. Allele origin: germline.
Comment: This variant is classified as likely benign based on ACMG/AMP sequence variant interpretation guidelines (Richards et al. 2015 PMID: 25741868, with internal and published modifications).

Labcorp Genetics (formerly Invitae), Labcorp
Classification: Likely benign. Last evaluated: 2025-06-03. Review status: criteria provided, single submitter. Criteria: Invitae Variant Classification Sherloc (09022015). Collection method: clinical testing. Allele origin: germline.

NM_004385.5(VCAN):c.4257T>C (p.Thr1419=)

Genes: VCAN (versican; plus strand), VCAN-AS1 (VCAN antisense RNA 1; minus strand). Cytogenetic location: 5q14.3.
Variant type: single nucleotide variant.
Coding change: c.4257T>C on transcript NM_004385.5 (MANE Select); coding-DNA position 4257, T replaced by C.
Protein change: p.Thr1419=; no amino-acid change (threonine 1419 retained).
Molecular consequence: synonymous variant. On other transcripts: intron variant (2).
Genome position (GRCh38, 1-based): chr5:83,537,260, T>C. VCF-style: chr5-83537260-T-C. GRCh37 (hg19) VCF-style: chr5-82833079-T-C.
Other names: c.1296T>C, p.Thr432= (NM_001164097.2); c.4004-8277T>C (NM_001164098.2); c.1043-8277T>C (NM_001126336.3); c.4257T>C (NM_004385.4).
Identifiers: ClinVar variation 4750483 (VCV004750483.2).